The following is an entry in ClinVar:

NM_133642.5(LARGE1):c.1390G>A (p.Glu464Lys)

Gene: LARGE1 (LARGE xylosyl- and glucuronyltransferase 1; minus strand). Cytogenetic location: 22q12.3.
Variant type: single nucleotide variant.
Coding change: c.1390G>A on transcript NM_133642.5 (MANE Select); coding-DNA position 1390, G replaced by A.
Protein change: p.Glu464Lys; replaces glutamic acid 464 with lysine.
Molecular consequence: missense variant.
Genome position (GRCh38, 1-based): chr22:33,316,146, C>T on the plus strand (G>A on the coding strand, the complement: LARGE1 is on the minus strand). VCF-style: chr22-33316146-C-T. GRCh37 (hg19) VCF-style: chr22-33712132-C-T.
Other names: c.1390G>A (NM_004737.6); c.1390G>A, p.Glu464Lys (NM_001362949.2, NM_001362951.2, NM_001362953.2 and 6 more transcripts); c.1234G>A, p.Glu412Lys (NM_001378629.1); c.787G>A, p.Glu263Lys (NM_001378630.1); c.631G>A, p.Glu211Lys (NM_001378631.1); short protein forms E263K, E412K, E464K, E211K.
Identifiers: ClinVar variation 1357128 (VCV001357128.6), dbSNP rs772985451, ClinGen allele CA10202761.

ClinVar aggregate classification (germline): Uncertain significance. Review status: criteria provided, multiple submitters, no conflicts (2 of 4 stars). 2 submissions from 2 submitters: Uncertain significance (2). Last evaluated 2024-05-28.

Conditions:
Muscular dystrophy-dystroglycanopathy type B6 (MDDGB6). Also called: MUSCULAR DYSTROPHY, CONGENITAL, LARGE-RELATED; MUSCULAR DYSTROPHY, CONGENITAL, TYPE 1D; MUSCULAR DYSTROPHY-DYSTROGLYCANOPATHY (CONGENITAL WITH IMPAIRED INTELLECTUAL DEVELOPMENT), TYPE B, 6. Identifiers: MedGen C1837229, MONDO:0012138, OMIM 608840.

Allele frequency attached by ClinVar (database versions not stated): TOPMed below 0.00001; ExAC 0.00001; gnomAD 0.00001; gnomAD exomes 0.00002.

Submissions (2):

Revvity Omics, Revvity
Classification: Uncertain significance. Last evaluated: 2024-05-28. Review status: criteria provided, single submitter. Criteria: ACMG Guidelines, 2015. Collection method: clinical testing. Allele origin: germline.

Labcorp Genetics (formerly Invitae), Labcorp
Classification: Uncertain significance for Muscular dystrophy-dystroglycanopathy type B6. Last evaluated: 2021-09-07. Review status: criteria provided, single submitter. Criteria: Invitae Variant Classification Sherloc (09022015). Collection method: clinical testing. Allele origin: germline.
Comment: This sequence change replaces glutamic acid with lysine at codon 464 of the LARGE1 protein (p.Glu464Lys). The glutamic acid residue is highly conserved and there is a small physicochemical difference between glutamic acid and lysine. This variant is present in population databases (rs772985451, ExAC 0.002%). This variant has not been reported in the literature in individuals affected with LARGE1-related conditions. Algorithms developed to predict the effect of missense changes on protein structure and function (SIFT, PolyPhen-2, Align-GVGD) all suggest that this variant is likely to be tolerated. In summary, the available evidence is currently insufficient to determine the role of this variant in disease. Therefore, it has been classified as a Variant of Uncertain Significance.